The following is an entry in ClinVar:

ClinVar aggregate classification (germline): Uncertain significance. Review status: criteria provided, multiple submitters, no conflicts (2 of 4 stars). 2 submissions from 2 submitters: Uncertain significance (2). Last evaluated 2024-10-21.

Conditions:
Retinitis pigmentosa 80 (RP80). Identifiers: MedGen C4540439, MONDO:0054708, OMIM 617781.
Saldino-Mainzer syndrome (SRTD9). Also called: CONORENAL SYNDROME; Renal dysplasia, retinal pigmentary dystrophy, cerebellar ataxia and skeletal dysplasia; short-rib thoracic dysplasia 9 with or without polydactyly; SHORT-RIB THORACIC DYSPLASIA 9 WITHOUT POLYDACTYLY. Identifiers: Orphanet 140969, MedGen C1849437, MONDO:0009964, OMIM 266920.

Allele frequency attached by ClinVar (database versions not stated): gnomAD 0.00002; TOPMed 0.00002.

Submissions (2):

Labcorp Genetics (formerly Invitae), Labcorp
Classification: Uncertain significance for Saldino-Mainzer syndrome. Last evaluated: 2024-10-21. Review status: criteria provided, single submitter. Criteria: Invitae Variant Classification Sherloc (09022015). Collection method: clinical testing. Allele origin: germline.
Comment: This sequence change replaces leucine, which is neutral and non-polar, with proline, which is neutral and non-polar, at codon 1332 of the IFT140 protein (p.Leu1332Pro). This variant is present in population databases (no rsID available, gnomAD 0.02%). This variant has not been reported in the literature in individuals affected with IFT140-related conditions. ClinVar contains an entry for this variant (Variation ID: 1043056). Invitae Evidence Modeling of protein sequence and biophysical properties (such as structural, functional, and spatial information, amino acid conservation, physicochemical variation, residue mobility, and thermodynamic stability) has been performed for this missense variant. However, the output from this modeling did not meet the statistical confidence thresholds required to predict the impact of this variant on IFT140 protein function. In summary, the available evidence is currently insufficient to determine the role of this variant in disease. Therefore, it has been classified as a Variant of Uncertain Significance.

Fulgent Genetics
Classification: Uncertain significance for Saldino-Mainzer syndrome; Retinitis pigmentosa 80. Last evaluated: 2024-01-20. Review status: criteria provided, single submitter. Criteria: ACMG Guidelines, 2015. Collection method: clinical testing. Allele origin: germline.

NM_014714.4(IFT140):c.3995T>C (p.Leu1332Pro)

Gene: IFT140 (intraflagellar transport 140; minus strand). Cytogenetic location: 16p13.3.
Variant type: single nucleotide variant.
Coding change: c.3995T>C on transcript NM_014714.4 (MANE Select); coding-DNA position 3995, T replaced by C.
Protein change: p.Leu1332Pro; replaces leucine 1332 with proline.
Molecular consequence: missense variant.
Genome position (GRCh38, 1-based): chr16:1,519,926, A>G on the plus strand (T>C on the coding strand, the complement: IFT140 is on the minus strand). VCF-style: chr16-1519926-A-G. GRCh37 (hg19) VCF-style: chr16-1569927-A-G.
Other names: short protein forms L1332P.
Identifiers: ClinVar variation 1043056 (VCV001043056.9), dbSNP rs902428763, ClinGen allele CA276675274.